The following is an entry in ClinVar:

ClinVar aggregate classification (germline): Uncertain significance (1 of 4 stars; one submission).

gnomAD v4.1: 11 of 1,613,298 alleles (0.00068%); highest among the groups gnomAD compares: South Asian, 0.0011%; no homozygotes.

Submission:

GeneDx
Classification: Uncertain significance. Last evaluated: 2024-10-31. Review status: criteria provided, single submitter. Criteria: GeneDx Variant Classification Process June 2021. Collection method: clinical testing. Allele origin: germline. Affected: yes.
Comment: Not observed at significant frequency in large population cohorts (gnomAD); In silico analysis supports that this missense variant has a deleterious effect on protein structure/function; Has not been previously published as pathogenic or benign to our knowledge

NM_001384140.1(PCDH15):c.578A>G (p.Tyr193Cys)

Gene: PCDH15 (protocadherin related 15; minus strand). Cytogenetic location: 10q21.1.
Variant type: single nucleotide variant.
Coding change: c.578A>G on transcript NM_001384140.1 (MANE Select); coding-DNA position 578, A replaced by G.
Protein change: p.Tyr193Cys; replaces tyrosine 193 with cysteine.
Molecular consequence: missense variant.
Genome position (GRCh38, 1-based): chr10:54,346,381, T>C on the plus strand (A>G on the coding strand, the complement: PCDH15 is on the minus strand). VCF-style: chr10-54346381-T-C. GRCh37 (hg19) VCF-style: chr10-56106141-T-C.
Other names: c.593A>G, p.Tyr198Cys (NM_001142763.2, NM_001142769.4, NM_001142771.2); c.578A>G, p.Tyr193Cys (NM_001142764.2, NM_001142765.2, NM_001142766.2 and 8 more transcripts); c.512A>G, p.Tyr171Cys (NM_001142768.2, NM_001142773.2, NM_001354404.2); short protein forms Y171C, Y193C, Y198C.
Identifiers: ClinVar variation 3897194 (VCV003897194.1).